The following is an entry in ClinVar:

NM_198252.3(GSN):c.417C>G (p.Phe139Leu)

Gene: GSN (gelsolin; plus strand). Cytogenetic location: 9q33.2.
Variant type: single nucleotide variant.
Coding change: c.417C>G on transcript NM_198252.3 (MANE Select); coding-DNA position 417, C replaced by G.
Protein change: p.Phe139Leu; replaces phenylalanine 139 with leucine.
Molecular consequence: missense variant. On other transcripts: 5 prime UTR variant (1).
Genome position (GRCh38, 1-based): chr9:121,310,749, C>G. VCF-style: chr9-121310749-C-G. GRCh37 (hg19) VCF-style: chr9-124073027-C-G.
Other names: c.570C>G, p.Phe190Leu (NM_000177.5); c.417C>G, p.Phe139Leu (NM_001127662.2, NM_001127664.2, NM_001127665.2 and 10 more transcripts); c.525C>G, p.Phe175Leu (NM_001127663.2); c.450C>G, p.Phe150Leu (NM_001127666.2, NM_001127667.2, NM_001353071.2 and 13 more transcripts); c.468C>G, p.Phe156Leu (NM_001258029.2); c.441C>G, p.Phe147Leu (NM_001258030.2); c.489C>G, p.Phe163Leu (NM_001353076.2); c.-238C>G (NM_001353078.2); short protein forms F147L, F139L, F163L, F150L, F190L, F156L, F175L.
Identifiers: ClinVar variation 1381991 (VCV001381991.6), dbSNP rs1338898955, ClinGen allele CA374738937.

ClinVar aggregate classification (germline): Uncertain significance (1 of 4 stars; one submission).

Allele frequency attached by ClinVar (database versions not stated): gnomAD exomes below 0.00001; TOPMed 0.00001.
gnomAD v4.1: 1 of 1,614,074 alleles (0.000062%); highest among the groups gnomAD compares: Admixed American, 0.0017%; no homozygotes.

Submission:

Labcorp Genetics (formerly Invitae), Labcorp
Classification: Uncertain significance. Last evaluated: 2021-09-20. Review status: criteria provided, single submitter. Criteria: Invitae Variant Classification Sherloc (09022015). Collection method: clinical testing. Allele origin: germline.
Comment: This sequence change replaces phenylalanine with leucine at codon 190 of the GSN protein (p.Phe190Leu). The phenylalanine residue is moderately conserved and there is a small physicochemical difference between phenylalanine and leucine. This variant is not present in population databases (ExAC no frequency). This variant has not been reported in the literature in individuals affected with GSN-related conditions. Algorithms developed to predict the effect of missense changes on protein structure and function output the following: SIFT: "Tolerated"; PolyPhen-2: "Benign"; Align-GVGD: "Class C0". The leucine amino acid residue is found in multiple mammalian species, which suggests that this missense change does not adversely affect protein function. In summary, the available evidence is currently insufficient to determine the role of this variant in disease. Therefore, it has been classified as a Variant of Uncertain Significance.